The following is an entry in ClinVar:

ClinVar aggregate classification (germline): Likely benign (1 of 4 stars; one submission).

Allele frequency attached by ClinVar (database versions not stated): gnomAD 0.00032; TOPMed 0.00037; 1000 Genomes Project 0.00100; 1000 Genomes Project 30x 0.00109.
gnomAD v4.1: 49 of 152,024 alleles (0.032%); highest among the groups gnomAD compares: East Asian, 0.6%; no homozygotes.

Submission:

CeGaT Center for Human Genetics Tuebingen
Classification: Likely benign. Last evaluated: 2024-09-01. Review status: criteria provided, single submitter. Criteria: CeGaT Center For Human Genetics Tuebingen Variant Classification Criteria Version 2. Collection method: clinical testing. Allele origin: germline. Affected: yes. Observed: 2 variant alleles.
Comment: BRD4: BS1

NM_001379291.1(BRD4):c.2159-620C>T

Gene: BRD4 (bromodomain containing 4; minus strand). Cytogenetic location: 19p13.12.
Variant type: single nucleotide variant.
Coding change: c.2159-620C>T on transcript NM_001379291.1 (MANE Select); 620 bases into the intron before coding-DNA position 2159, C replaced by T.
Molecular consequence: intron variant.
Genome position (GRCh38, 1-based): chr19:15,245,382, G>A on the plus strand (C>T on the coding strand, the complement: BRD4 is on the minus strand). VCF-style: chr19-15245382-G-A. GRCh37 (hg19) VCF-style: chr19-15356193-G-A.
Other names: c.2159-620C>T (NM_058243.3).
Identifiers: ClinVar variation 2649456 (VCV002649456.24), dbSNP rs149695192, ClinGen allele CA305791712.